The following is an entry in ClinVar:

ClinVar aggregate classification (germline): Uncertain significance (1 of 4 stars; one submission).

Allele frequency attached by ClinVar (database versions not stated): gnomAD exomes below 0.00001; TOPMed 0.00001.
gnomAD v4.1: 1 of 1,614,178 alleles (0.000062%); highest among the groups gnomAD compares: Non-Finnish European, 0.000085%; no homozygotes.

Submission:

Labcorp Genetics (formerly Invitae), Labcorp
Classification: Uncertain significance. Last evaluated: 2021-12-22. Review status: criteria provided, single submitter. Criteria: Invitae Variant Classification Sherloc (09022015). Collection method: clinical testing. Allele origin: germline.
Comment: This sequence change replaces leucine, which is neutral and non-polar, with proline, which is neutral and non-polar, at codon 1283 of the FAT4 protein (p.Leu1283Pro). This variant is present in population databases (no rsID available, gnomAD 0.0009%). This variant has not been reported in the literature in individuals affected with FAT4-related conditions. Advanced modeling of protein sequence and biophysical properties (such as structural, functional, and spatial information, amino acid conservation, physicochemical variation, residue mobility, and thermodynamic stability) performed at Invitae indicates that this missense variant is expected to disrupt FAT4 protein function. In summary, the available evidence is currently insufficient to determine the role of this variant in disease. Therefore, it has been classified as a Variant of Uncertain Significance.

NM_001291303.3(FAT4):c.3848T>C (p.Leu1283Pro)

Gene: FAT4 (FAT atypical cadherin 4; plus strand). Cytogenetic location: 4q28.1.
Variant type: single nucleotide variant.
Coding change: c.3848T>C on transcript NM_001291303.3 (MANE Select); coding-DNA position 3848, T replaced by C.
Protein change: p.Leu1283Pro; replaces leucine 1283 with proline.
Molecular consequence: missense variant.
Genome position (GRCh38, 1-based): chr4:125,320,259, T>C. VCF-style: chr4-125320259-T-C. GRCh37 (hg19) VCF-style: chr4-126241414-T-C.
Other names: c.3848T>C, p.Leu1283Pro (NM_001291285.3, NM_024582.6); short protein forms L1283P.
Identifiers: ClinVar variation 1944646 (VCV001944646.5), dbSNP rs1248057291, ClinGen allele CA358124867.